The following is an entry in ClinVar:

ClinVar aggregate classification (germline): Uncertain significance. Review status: criteria provided, multiple submitters, no conflicts (2 of 4 stars). 2 submissions from 2 submitters: Uncertain significance (2). Last evaluated 2025-10-28.

Conditions:
Renal cell carcinoma. Identifiers: Orphanet 217071, MedGen C0007134, MeSH D002292, MONDO:0005086, HP:0005584.
Hereditary cancer-predisposing syndrome. Also called: Hereditary Cancer Syndrome; Hereditary neoplastic syndrome; Neoplastic Syndromes, Hereditary; Tumor predisposition. Identifiers: Orphanet 140162, MedGen C0027672, MeSH D009386, MONDO:0015356.

Allele frequency attached by ClinVar (database versions not stated): gnomAD 0.00001; TOPMed 0.00001.
gnomAD v4.1: 1 of 1,614,022 alleles (0.000062%); highest among the groups gnomAD compares: Non-Finnish European, 0.000085%; no homozygotes.

Submissions (2):

Ambry Genetics
Classification: Uncertain significance for Hereditary cancer-predisposing syndrome. Last evaluated: 2025-10-28. Review status: criteria provided, single submitter. Criteria: Ambry Variant Classification Scheme 2023. Collection method: clinical testing. Allele origin: germline.
Comment: The p.P1063R variant (also known as c.3188C>G), located in coding exon 14 of the MET gene, results from a C to G substitution at nucleotide position 3188. The proline at codon 1063 is replaced by arginine, an amino acid with dissimilar properties. This amino acid position is highly conserved in available vertebrate species. In addition, this alteration is predicted to be deleterious by in silico analysis. Since supporting evidence is limited at this time, the clinical significance of this alteration remains unclear.

Labcorp Genetics (formerly Invitae), Labcorp
Classification: Uncertain significance for Renal cell carcinoma. Last evaluated: 2025-10-15. Review status: criteria provided, single submitter. Criteria: Invitae Variant Classification Sherloc (09022015). Collection method: clinical testing. Allele origin: germline.
Comment: This sequence change replaces proline, which is neutral and non-polar, with arginine, which is basic and polar, at codon 1063 of the MET protein (p.Pro1063Arg). This variant is not present in population databases (gnomAD no frequency). This variant has not been reported in the literature in individuals affected with MET-related conditions. ClinVar contains an entry for this variant (Variation ID: 454234). Invitae Evidence Modeling of protein sequence and biophysical properties (such as structural, functional, and spatial information, amino acid conservation, physicochemical variation, residue mobility, and thermodynamic stability) indicates that this missense variant is expected to disrupt MET protein function with a positive predictive value of 80%. In summary, the available evidence is currently insufficient to determine the role of this variant in disease. Therefore, it has been classified as a Variant of Uncertain Significance.

NM_000245.4(MET):c.3134C>G (p.Pro1045Arg)

Gene: MET (MET proto-oncogene, receptor tyrosine kinase; plus strand). Cytogenetic location: 7q31.2.
Variant type: single nucleotide variant.
Coding change: c.3134C>G on transcript NM_000245.4 (MANE Select); coding-DNA position 3134, C replaced by G.
Protein change: p.Pro1045Arg; replaces proline 1045 with arginine.
Molecular consequence: missense variant.
Genome position (GRCh38, 1-based): chr7:116,774,986, C>G. VCF-style: chr7-116774986-C-G. GRCh37 (hg19) VCF-style: chr7-116415040-C-G.
Other names: c.3188C>G (LRG_662t1); c.3188C>G, p.Pro1063Arg (NM_001127500.3); c.1844C>G, p.Pro615Arg (NM_001324402.2); short protein forms P1063R, P615R, P1045R.
Identifiers: ClinVar variation 454234 (VCV000454234.12), dbSNP rs1554398862, ClinGen allele CA368988274.